The following is an entry in ClinVar:

ClinVar aggregate classification (germline): Uncertain significance (1 of 4 stars; one submission).

Conditions:
Cowden syndrome (CS). Also called: Cowden's disease; Cowden's syndrome; Cowden disease. Identifiers: Orphanet 201, MedGen C0018553, MONDO:0016063. Disease mechanism: gain of function.

Submission:

Labcorp Genetics (formerly Invitae), Labcorp
Classification: Uncertain significance for Cowden syndrome. Last evaluated: 2022-10-26. Review status: criteria provided, single submitter. Criteria: Invitae Variant Classification Sherloc (09022015). Collection method: clinical testing. Allele origin: germline.
Comment: In summary, the available evidence is currently insufficient to determine the role of this variant in disease. Therefore, it has been classified as a Variant of Uncertain Significance. Algorithms developed to predict the effect of missense changes on protein structure and function (SIFT, PolyPhen-2, Align-GVGD) all suggest that this variant is likely to be disruptive. Experimental studies are conflicting or provide insufficient evidence to determine the effect of this variant on PIK3CA function (PMID: 17376864, 18074223, 20581867). ClinVar contains an entry for this variant (Variation ID: 376483). This variant has not been reported in the literature in individuals affected with PIK3CA-related conditions. This variant is not present in population databases (gnomAD no frequency). This sequence change replaces lysine, which is basic and polar, with asparagine, which is neutral and polar, at codon 111 of the PIK3CA protein (p.Lys111Asn).

Literature cited by the submitters: PubMed 17376864; PubMed 18074223; PubMed 20581867.

NM_006218.4(PIK3CA):c.333G>C (p.Lys111Asn)

Gene: PIK3CA (phosphatidylinositol-4,5-bisphosphate 3-kinase catalytic subunit alpha; plus strand). Cytogenetic location: 3q26.32.
Variant type: single nucleotide variant.
Coding change: c.333G>C on transcript NM_006218.4 (MANE Select); coding-DNA position 333, G replaced by C.
Protein change: p.Lys111Asn; replaces lysine 111 with asparagine.
Molecular consequence: missense variant.
Genome position (GRCh38, 1-based): chr3:179,199,158, G>C. VCF-style: chr3-179199158-G-C. GRCh37 (hg19) VCF-style: chr3-178916946-G-C.
Other names: short protein forms K111N.
Identifiers: ClinVar variation 376483 (VCV000376483.6), dbSNP rs1057519934, ClinGen allele CA16602917.